The following is an entry in ClinVar:

ClinVar aggregate classification (germline): Uncertain significance (1 of 4 stars; one submission).

Submission:

Ambry Genetics
Classification: Uncertain significance. Last evaluated: 2025-08-08. Review status: criteria provided, single submitter. Criteria: Ambry Variant Classification Scheme 2023. Collection method: clinical testing. Allele origin: germline.
Comment: The p.R74Q variant (also known as c.221G>A), located in coding exon 1 of the WNK2 gene, results from a G to A substitution at nucleotide position 221. The arginine at codon 74 is replaced by glutamine, an amino acid with highly similar properties. This amino acid position is conserved. In addition, this alteration is predicted to be tolerated by in silico analysis. Based on the available evidence, the clinical significance of this variant remains unclear.

NM_006648.4(WNK2):c.221G>A (p.Arg74Gln)

Gene: WNK2 (WNK lysine deficient protein kinase 2; plus strand). Cytogenetic location: 9q22.31.
Variant type: single nucleotide variant.
Coding change: c.221G>A on transcript NM_006648.4 (MANE Select); coding-DNA position 221, G replaced by A.
Protein change: p.Arg74Gln; replaces arginine 74 with glutamine.
Molecular consequence: missense variant.
Genome position (GRCh38, 1-based): chr9:93,185,150, G>A. VCF-style: chr9-93185150-G-A. GRCh37 (hg19) VCF-style: chr9-95947432-G-A.
Other names: c.221G>A, p.Arg74Gln (NM_001282394.3); short protein forms R74Q.
Identifiers: ClinVar variation 4201726 (VCV004201726.1).